The following is an entry in ClinVar:

NM_001036.6(RYR3):c.9727G>T (p.Asp3243Tyr)

Gene: RYR3 (ryanodine receptor 3; plus strand). Cytogenetic location: 15q14.
Variant type: single nucleotide variant.
Coding change: c.9727G>T on transcript NM_001036.6 (MANE Select); coding-DNA position 9727, G replaced by T.
Protein change: p.Asp3243Tyr; replaces aspartic acid 3243 with tyrosine.
Molecular consequence: missense variant.
Genome position (GRCh38, 1-based): chr15:33,788,355, G>T. VCF-style: chr15-33788355-G-T. GRCh37 (hg19) VCF-style: chr15-34080556-G-T.
Other names: c.9727G>T, p.Asp3243Tyr (NM_001243996.4); c.9727G>T (NM_001036.3); short protein forms D3243Y.
Identifiers: ClinVar variation 937338 (VCV000937338.11), dbSNP rs1294722820, ClinGen allele CA391591709.

ClinVar aggregate classification (germline): Uncertain significance. Review status: criteria provided, multiple submitters, no conflicts (2 of 4 stars). 3 submissions from 3 submitters: Uncertain significance (3). Last evaluated 2025-04-02.

Conditions:
Congenital myopathy 20 (CMYO20). Identifiers: MedGen C5830393, MONDO:0957215, OMIM 620310.
Epileptic encephalopathy. Identifiers: MedGen C0543888, HP:0200134.

Allele frequency attached by ClinVar (database versions not stated): gnomAD exomes below 0.00001; gnomAD 0.00002; TOPMed 0.00003.
gnomAD v4.1: 21 of 1,613,830 alleles (0.0013%); highest among the groups gnomAD compares: Middle Eastern, 0.082%; no homozygotes.

Submissions (3):

Ambry Genetics
Classification: Uncertain significance. Last evaluated: 2025-04-02. Review status: criteria provided, single submitter. Criteria: Ambry Variant Classification Scheme 2023. Collection method: clinical testing. Allele origin: germline.

3billion
Classification: Uncertain significance for Congenital myopathy 20. Last evaluated: 2024-11-25. Review status: criteria provided, single submitter. Criteria: ACMG Guidelines, 2015. Collection method: clinical testing. Allele origin: germline. Affected: yes.
Comment: The variant is observed at an extremely low frequency in the gnomAD v4.1.0 dataset (total allele frequency: 0.001%). Predicted Consequence/Location: Missense variant Damaging effect on gene or gene product predicted by in silico programs is uncertain [REVEL: 0.54 (damaging >=0.6, benign <0.4), 3Cnet: 0.00 (damaging >=0.6, benign <0.15)]. The variant has been reported as of uncertain significance (ClinVar ID: VCV000937338). Therefore, this variant is classified as VUS according to the recommendation of ACMG/AMP guideline.

Labcorp Genetics (formerly Invitae), Labcorp
Classification: Uncertain significance for Epileptic encephalopathy. Last evaluated: 2019-08-25. Review status: criteria provided, single submitter. Criteria: Invitae Variant Classification Sherloc (09022015). Collection method: clinical testing. Allele origin: germline.
Comment: In summary, the available evidence is currently insufficient to determine the role of this variant in disease. Therefore, it has been classified as a Variant of Uncertain Significance. Algorithms developed to predict the effect of sequence changes on RNA splicing suggest that this variant may create or strengthen a splice site, but this prediction has not been confirmed by published transcriptional studies. Algorithms developed to predict the effect of missense changes on protein structure and function are either unavailable or do not agree on the potential impact of this missense change (SIFT: "Deleterious"; PolyPhen-2: "Probably Damaging"; Align-GVGD: "Class C15"). This variant has not been reported in the literature in individuals with RYR3-related conditions. This variant is not present in population databases (ExAC no frequency). This sequence change replaces aspartic acid with tyrosine at codon 3243 of the RYR3 protein (p.Asp3243Tyr). The aspartic acid residue is highly conserved and there is a large physicochemical difference between aspartic acid and tyrosine.